The following is an entry in ClinVar:

NM_002386.4(MC1R):c.731C>T (p.Thr244Ile)

Gene: MC1R (melanocortin 1 receptor; plus strand). Cytogenetic location: 16q24.3.
Variant type: single nucleotide variant.
Coding change: c.731C>T on transcript NM_002386.4 (MANE Select); coding-DNA position 731, C replaced by T.
Protein change: p.Thr244Ile; replaces threonine 244 with isoleucine.
Molecular consequence: missense variant.
Genome position (GRCh38, 1-based): chr16:89,919,989, C>T. VCF-style: chr16-89919989-C-T. GRCh37 (hg19) VCF-style: chr16-89986397-C-T.
Other names: short protein forms T244I.
Identifiers: ClinVar variation 3871090 (VCV003871090.1).
Genomic context (GRCh38, chr16:89,919,989, plus strand): 5'-TCCACAAGAGGCAGCGCCCGGTCCACCAGGGCTTTGGCCTTAAAGGCGCTGTCACCCTCA[C>T]CATCCTGCTGGGCATTTTCTTCCTCTGCTGGGGCCCCTTCTTCCTGCATCTCACACTCAT-3'
Protein context (NP_002377.4, residues 234-254): GFGLKGAVTL[Thr244Ile]ILLGIFFLCW

ClinVar aggregate classification (germline): Uncertain significance (1 of 4 stars; one submission).

Submission:

Ambry Genetics
Classification: Uncertain significance. Last evaluated: 2025-01-13. Review status: criteria provided, single submitter. Criteria: Ambry Variant Classification Scheme 2023. Collection method: clinical testing. Allele origin: germline.
Comment: The p.T244I variant (also known as c.731C>T), located in coding exon 1 of the MC1R gene, results from a C to T substitution at nucleotide position 731. The threonine at codon 244 is replaced by isoleucine, an amino acid with similar properties. This amino acid position is conserved. In addition, this alteration is predicted to be tolerated by in silico analysis. Based on the available evidence, the clinical significance of this variant remains unclear.